The following is an entry in ClinVar:

ClinVar aggregate classification (germline): Uncertain significance (1 of 4 stars; one submission).

Submission:

Labcorp Genetics (formerly Invitae), Labcorp
Classification: Uncertain significance. Last evaluated: 2022-03-12. Review status: criteria provided, single submitter. Criteria: Invitae Variant Classification Sherloc (09022015). Collection method: clinical testing. Allele origin: germline.
Comment: Algorithms developed to predict the effect of missense changes on protein structure and function (SIFT, PolyPhen-2, Align-GVGD) all suggest that this variant is likely to be tolerated. In summary, the available evidence is currently insufficient to determine the role of this variant in disease. Therefore, it has been classified as a Variant of Uncertain Significance. This variant has not been reported in the literature in individuals affected with DEF6-related conditions. This variant is not present in population databases (gnomAD no frequency). This sequence change replaces methionine, which is neutral and non-polar, with valine, which is neutral and non-polar, at codon 434 of the DEF6 protein (p.Met434Val).

NM_022047.4(DEF6):c.1300A>G (p.Met434Val)

Gene: DEF6 (DEF6 guanine nucleotide exchange factor; plus strand). Cytogenetic location: 6p21.31.
Variant type: single nucleotide variant.
Coding change: c.1300A>G on transcript NM_022047.4 (MANE Select); coding-DNA position 1300, A replaced by G.
Protein change: p.Met434Val; replaces methionine 434 with valine.
Molecular consequence: missense variant.
Genome position (GRCh38, 1-based): chr6:35,319,608, A>G. VCF-style: chr6-35319608-A-G. GRCh37 (hg19) VCF-style: chr6-35287385-A-G.
Other names: short protein forms M434V.
Identifiers: ClinVar variation 2103569 (VCV002103569.4), dbSNP rs2534191959, ClinGen allele CA363767885.